The following is an entry in ClinVar:

NM_000548.5(TSC2):c.2821A>G (p.Asn941Asp)

Gene: TSC2 (TSC complex subunit 2; plus strand). Cytogenetic location: 16p13.3.
Variant type: single nucleotide variant.
Coding change: c.2821A>G on transcript NM_000548.5 (MANE Select); coding-DNA position 2821, A replaced by G.
Protein change: p.Asn941Asp; replaces asparagine 941 with aspartic acid.
Molecular consequence: missense variant.
Genome position (GRCh38, 1-based): chr16:2,076,569, A>G. VCF-style: chr16-2076569-A-G. GRCh37 (hg19) VCF-style: chr16-2126570-A-G.
Other names: c.2821A>G (NM_000548.4); c.2821A>G, p.Asn941Asp (NM_001077183.3, NM_001114382.3, NM_001363528.2 and 3 more transcripts); c.2710A>G, p.Asn904Asp (NM_001318827.2); c.2674A>G, p.Asn892Asp (NM_001318829.2); c.2221A>G, p.Asn741Asp (NM_001318831.2); c.2854A>G, p.Asn952Asp (NM_001318832.2); short protein forms N941D, N741D, N892D, N904D, N952D.
Identifiers: ClinVar variation 238000 (VCV000238000.18), dbSNP rs878854087, ClinGen allele CA10583315.

ClinVar aggregate classification (germline): Conflicting classifications of pathogenicity. Review status: criteria provided, conflicting classifications (1 of 4 stars). 6 submissions from 6 submitters: Uncertain significance (3); Likely benign (3). Last evaluated 2026-03-23.

Conditions:
TSC2-related disorder. Also called: TSC2-related condition; TSC2-Related Disorders.
Hereditary cancer-predisposing syndrome. Also called: Neoplastic Syndromes, Hereditary; Hereditary neoplastic syndrome; Hereditary Cancer Syndrome; Tumor predisposition. Identifiers: Orphanet 140162, MedGen C0027672, MeSH D009386, MONDO:0015356.
Tuberous sclerosis 2 (TSC2). Identifiers: Orphanet 805, MedGen C1860707, MONDO:0013199, OMIM 613254.

Allele frequency attached by ClinVar (database versions not stated): gnomAD exomes below 0.00001; gnomAD 0.00001; TOPMed 0.00003.
gnomAD v4.1: 3 of 1,612,968 alleles (0.00019%); highest among the groups gnomAD compares: African/African-American, 0.004%; no homozygotes.

Submissions (6):

PreventionGenetics, part of Exact Sciences
Classification: Uncertain significance for TSC2-related condition. Last evaluated: 2026-03-23. Review status: criteria provided, single submitter. Criteria: ACMG Guidelines, 2015. Collection method: clinical testing. Allele origin: germline.
Comment: The TSC2 c.2821A>G variant is predicted to result in the amino acid substitution p.Asn941Asp. To our knowledge, this variant has not been reported in the literature or in a large population database (gnomAD), indicating this variant is rare. This variant has conflicting interpretations in ClinVar ranging from uncertain to likely benign (Variation ID: 238000). Although we suspect that this variant may be benign, at this time, the clinical significance of this variant is uncertain due to the absence of conclusive functional and genetic evidence.

Labcorp Genetics (formerly Invitae), Labcorp
Classification: Likely benign for Tuberous sclerosis 2. Last evaluated: 2026-01-31. Review status: criteria provided, single submitter. Criteria: Invitae Variant Classification Sherloc (09022015). Collection method: clinical testing. Allele origin: germline.

Women's Health and Genetics/Laboratory Corporation of America, LabCorp
Classification: Uncertain significance. Last evaluated: 2024-09-12. Review status: criteria provided, single submitter. Criteria: LabCorp Variant Classification Summary - May 2015. Collection method: clinical testing. Allele origin: germline.
Comment: Variant summary: TSC2 c.2821A>G (p.Asn941Asp) results in a conservative amino acid change located in the Tuberin, N-terminal domain (IPR024584) of the encoded protein sequence. Four of five in-silico tools predict a damaging effect of the variant on protein function. The frequency data for this variant in gnomAD is considered unreliable, as metrics indicate poor data quality at this position. To our knowledge, no occurrence of c.2821A>G in individuals affected with Tuberous Sclerosis Complex and no experimental evidence demonstrating its impact on protein function have been reported. ClinVar contains an entry for this variant (Variation ID: 238000). Based on the evidence outlined above, the variant was classified as uncertain significance.

Ambry Genetics
Classification: Likely benign for Hereditary cancer-predisposing syndrome. Last evaluated: 2023-03-07. Review status: criteria provided, single submitter. Criteria: Ambry Variant Classification Scheme 2023. Collection method: clinical testing. Allele origin: germline.

Genome-Nilou Lab
Classification: Likely benign for Tuberous sclerosis 2. Last evaluated: 2021-11-07. Review status: criteria provided, single submitter. Criteria: ACMG Guidelines, 2015. Collection method: clinical testing. Allele origin: germline. Affected: no.

GeneDx
Classification: Uncertain significance. Last evaluated: 2016-01-14. Review status: criteria provided, single submitter. Criteria: GeneDx Variant Classification (06012015). Collection method: clinical testing. Allele origin: germline. Affected: yes.
Comment: The N941D variant has notbeen published as a pathogenic variant, nor has it been reported as a benign variant to our knowledge.It was not observed in approximately 6,500 individuals of European and African American ancestry inthe NHLBI Exome Sequencing Project, indicating it is not a common benign variant in thesepopulations. The N941D variant is a semi-conservative amino acid substitution, which may impactsecondary protein structure as these residues differ in some properties. This substitution occurs at aposition that is conserved across species. However, in silico analysis is inconsistent in its predictions asto whether or not the variant is damaging to the protein structure/function. Therefore, based on thecurrently available information, it is unclear whether this variant is a pathogenic variant or a rarebenign variant.